The following is an entry in ClinVar:

ClinVar aggregate classification (germline): Uncertain significance (1 of 4 stars; one submission).

Submission:

GeneDx
Classification: Uncertain significance. Last evaluated: 2025-06-08. Review status: criteria provided, single submitter. Criteria: GeneDx Variant Classification Process June 2021. Collection method: clinical testing. Allele origin: germline. Affected: yes.
Comment: Not observed at significant frequency in large population cohorts (gnomAD); Frameshift variant predicted to result in protein truncation or nonsense mediated decay in a gene or region of a gene for which loss of function is not a well-established mechanism of disease; Has not been previously published as pathogenic or benign to our knowledge

NM_001135146.2(SLC39A8):c.966del (p.Ile322fs)

Genes: SLC39A8 (solute carrier family 39 member 8; minus strand), LOC126807125 (MED14-independent group 3 enhancer GRCh37_chr4:103188587-103189786; plus strand). Cytogenetic location: 4q24.
Variant type: Deletion.
Coding change: c.966del on transcript NM_001135146.2 (MANE Select); coding-DNA position 966, one base deleted (T; older notation c.966delT).
Protein change: p.Ile322fs; shifts the reading frame from isoleucine 322.
Molecular consequence: frameshift variant.
Genome position (GRCh38, 1-based): chr4:102,267,954, A deleted on the plus strand (T on the coding strand, the reverse complement: SLC39A8 is on the minus strand); the first of 2 consecutive A bases (chr4:102,267,954-102,267,955); deleting either gives the same sequence. VCF-style (leftmost placement, unchanged base first): chr4-102267953-CA-C. GRCh37 (hg19) VCF-style: chr4-103189110-CA-C.
Other names: c.966del, p.Ile322fs (NM_001135147.1, NM_022154.5); c.765del, p.Ile255fs (NM_001135148.2); c.966delT (NM_022154.5); short protein forms I255fs, I322fs.
Identifiers: ClinVar variation 1181411 (VCV001181411.3), dbSNP rs2149005022, ClinGen allele CA2499217032.
Genomic context (GRCh38, chr4:102,267,953, plus strand): 5'-CACATAGGATTGCTATGGAAGTACTGAGTCCCTGAAGGAGAGACAAGGTGCAGGAAGCCC[CA>C]ATCGCCAGGCCATCGATGAAATTGTGGAGGGCATCGCAGAGCGTTATCATCCAGGCAATC-3'